The following is an entry in ClinVar:

NM_001394998.1(TANC2):c.5940C>G (p.Ser1980=)

Gene: TANC2 (tetratricopeptide repeat, ankyrin repeat and coiled-coil containing 2; plus strand). Cytogenetic location: 17q23.3.
Variant type: single nucleotide variant.
Coding change: c.5940C>G on transcript NM_001394998.1 (MANE Select); coding-DNA position 5940, C replaced by G.
Protein change: p.Ser1980=; no amino-acid change (serine 1980 retained).
Molecular consequence: synonymous variant.
Genome position (GRCh38, 1-based): chr17:63,421,670, C>G. VCF-style: chr17-63421670-C-G. GRCh37 (hg19) VCF-style: chr17-61499031-C-G.
Other names: c.5718C>G, p.Ser1906= (NM_001411076.1); c.5688C>G, p.Ser1896= (NM_025185.4).
Identifiers: ClinVar variation 4875175 (VCV004875175.2).
Genomic context (GRCh38, chr17:63,421,670, plus strand): 5'-CCTCAGTCCCACGTCTCCAGGCAACCTGCCTCAGCCTGAGTCCTTCAGTCCACCATCATC[C>G]ATCAGCAACATTGCCTTTTATAACAAAACCAACAATGCACAGAATGGCCATTTGCTGGAG-3'
Protein context (NP_001381927.1, residues 1970-1990): PQPESFSPPS[Ser1980=]ISNIAFYNKT

ClinVar aggregate classification (germline): Likely benign (1 of 4 stars; one submission).

Submission:

CeGaT Center for Human Genetics Tuebingen
Classification: Likely benign. Last evaluated: 2026-06-01. Review status: criteria provided, single submitter. Criteria: CeGaT Center For Human Genetics Tuebingen Variant Classification Criteria Version 2. Collection method: clinical testing. Allele origin: germline. Affected: yes. Observed: 1 variant allele.
Comment: TANC2: BP4, BP7